The following is an entry in ClinVar:

ClinVar aggregate classification (germline): Conflicting classifications of pathogenicity. Review status: criteria provided, conflicting classifications (1 of 4 stars). 3 submissions from 3 submitters: Uncertain significance (2); Likely benign (1). Last evaluated 2025-11-12.

Conditions:
Primary ciliary dyskinesia. Also called: Ciliary dyskinesia. Identifiers: Orphanet 244, MedGen C0008780, MONDO:0016575, HP:0012265.

Allele frequency attached by ClinVar (database versions not stated): ExAC 0.00002.
gnomAD v4.1: 17 of 1,610,394 alleles (0.0011%); highest among the groups gnomAD compares: African/African-American, 0.012%; no homozygotes.

Submissions (3):

Ambry Genetics
Classification: Uncertain significance for Primary ciliary dyskinesia. Last evaluated: 2025-11-12. Review status: criteria provided, single submitter. Criteria: Ambry Variant Classification Scheme 2023. Collection method: clinical testing. Allele origin: germline.

Labcorp Genetics (formerly Invitae), Labcorp
Classification: Likely benign for Primary ciliary dyskinesia. Last evaluated: 2023-04-03. Review status: criteria provided, single submitter. Criteria: Invitae Variant Classification Sherloc (09022015). Collection method: clinical testing. Allele origin: germline.

GeneDx
Classification: Uncertain significance. Last evaluated: 2019-11-09. Review status: criteria provided, single submitter. Criteria: GeneDx Variant Classification Process June 2021. Collection method: clinical testing. Allele origin: germline. Affected: yes.
Comment: In silico analysis, which includes protein predictors and evolutionary conservation, supports a deleterious effect; Has not been previously published as pathogenic or benign to our knowledge

NM_001277115.2(DNAH11):c.9044C>T (p.Pro3015Leu)

Gene: DNAH11 (dynein axonemal heavy chain 11; plus strand). Cytogenetic location: 7p15.3.
Variant type: single nucleotide variant.
Coding change: c.9044C>T on transcript NM_001277115.2 (MANE Select); coding-DNA position 9044, C replaced by T.
Protein change: p.Pro3015Leu; replaces proline 3015 with leucine.
Molecular consequence: missense variant.
Genome position (GRCh38, 1-based): chr7:21,765,531, C>T. VCF-style: chr7-21765531-C-T. GRCh37 (hg19) VCF-style: chr7-21805149-C-T.
Other names: short protein forms P3015L.
Identifiers: ClinVar variation 1309434 (VCV001309434.7), dbSNP rs749849152, ClinGen allele CA4181828.